The following is an entry in ClinVar:

NM_006767.4(LZTR1):c.1448A>C (p.Gln483Pro)

Gene: LZTR1 (leucine zipper like post translational regulator 1; plus strand). Cytogenetic location: 22q11.21.
Variant type: single nucleotide variant.
Coding change: c.1448A>C on transcript NM_006767.4 (MANE Select); coding-DNA position 1448, A replaced by C.
Protein change: p.Gln483Pro; replaces glutamine 483 with proline.
Molecular consequence: missense variant.
Genome position (GRCh38, 1-based): chr22:20,994,018, A>C. VCF-style: chr22-20994018-A-C. GRCh37 (hg19) VCF-style: chr22-21348307-A-C.
Other names: short protein forms Q483P.
Identifiers: ClinVar variation 1772829 (VCV001772829.3), dbSNP rs939791025, ClinGen allele CA322268971.

ClinVar aggregate classification (germline): Uncertain significance (1 of 4 stars; one submission).

Conditions:
Cardiovascular phenotype. Identifiers: MedGen CN230736.
Hereditary cancer-predisposing syndrome. Also called: Hereditary Cancer Syndrome; Hereditary neoplastic syndrome; Neoplastic Syndromes, Hereditary; Tumor predisposition. Identifiers: Orphanet 140162, MedGen C0027672, MeSH D009386, MONDO:0015356.

gnomAD v4.1: 14 of 1,605,776 alleles (0.00087%); highest among the groups gnomAD compares: Non-Finnish European, 0.0012%; no homozygotes.

Submission:

Ambry Genetics
Classification: Uncertain significance for Cardiovascular phenotype; Hereditary cancer-predisposing syndrome. Last evaluated: 2024-08-21. Review status: criteria provided, single submitter. Criteria: Ambry Variant Classification Scheme 2023. Collection method: clinical testing. Allele origin: germline.
Comment: The p.Q483P variant (also known as c.1448A>C), located in coding exon 13 of the LZTR1 gene, results from an A to C substitution at nucleotide position 1448. The glutamine at codon 483 is replaced by proline, an amino acid with similar properties. This amino acid position is well conserved in available vertebrate species. In addition, this alteration is predicted to be tolerated by in silico analysis. Based on the available evidence, the clinical significance of this variant remains unclear.